The following is an entry in ClinVar:

NM_000256.3(MYBPC3):c.3198A>G (p.Pro1066=)

Gene: MYBPC3 (myosin binding protein C3; minus strand). Cytogenetic location: 11p11.2.
Variant type: single nucleotide variant.
Coding change: c.3198A>G on transcript NM_000256.3 (MANE Select); coding-DNA position 3198, A replaced by G.
Protein change: p.Pro1066=; no amino-acid change (proline 1066 retained).
Molecular consequence: synonymous variant.
Genome position (GRCh38, 1-based): chr11:47,333,326, T>C on the plus strand (A>G on the coding strand, the complement: MYBPC3 is on the minus strand). VCF-style: chr11-47333326-T-C. GRCh37 (hg19) VCF-style: chr11-47354877-T-C.
Identifiers: ClinVar variation 1099660 (VCV001099660.12), dbSNP rs756786807, ClinGen allele CA079221.

ClinVar aggregate classification (germline): Likely benign. Review status: criteria provided, multiple submitters, no conflicts (2 of 4 stars). 3 submissions from 3 submitters: Likely benign (3). Last evaluated 2025-12-09.

Conditions:
Hypertrophic cardiomyopathy. Also called: HYPERTROPHIC MYOCARDIOPATHY. Identifiers: Orphanet 217569, MedGen C0007194, MeSH D002312, MONDO:0005045, HP:0001639.

Allele frequency attached by ClinVar (database versions not stated): gnomAD exomes 0.00001 and 0.00003; TOPMed 0.00003.
gnomAD v4.1: 9 of 1,576,356 alleles (0.00057%); highest among the groups gnomAD compares: Admixed American, 0.014%; no homozygotes.

Submissions (3):

Labcorp Genetics (formerly Invitae), Labcorp
Classification: Likely benign for Hypertrophic cardiomyopathy. Last evaluated: 2025-12-09. Review status: criteria provided, single submitter. Criteria: Invitae Variant Classification Sherloc (09022015). Collection method: clinical testing. Allele origin: germline.

All of Us Research Program, National Institutes of Health
Classification: Likely benign for Hypertrophic cardiomyopathy. Last evaluated: 2024-05-14. Review status: criteria provided, single submitter. Criteria: ACMG Guidelines, 2015. Collection method: clinical testing. Allele origin: germline. Inheritance: Autosomal dominant inheritance. Observed: 3 variant alleles, 3 heterozygotes.
Comment: This study involves interpretation of variants in research participants for the purpose of population health screening. Participant phenotype was not available at the time of variant classification. Additional details can be found in publication PMID: 35346344, PMCID: PMC8962531

Blueprint Genetics
Classification: Likely benign. Last evaluated: 2021-07-19. Review status: criteria provided, single submitter. Criteria: ACMG Guidelines, 2015. Collection method: clinical testing. Allele origin: germline.